The following is an entry in ClinVar:

NM_006297.3(XRCC1):c.1788+6T>C

Gene: XRCC1 (X-ray repair cross complementing 1; minus strand). Cytogenetic location: 19q13.31.
Variant type: single nucleotide variant.
Coding change: c.1788+6T>C on transcript NM_006297.3 (MANE Select); 6 bases into the intron after coding-DNA position 1788, T replaced by C.
Molecular consequence: intron variant.
Genome position (GRCh38, 1-based): chr19:43,543,606, A>G on the plus strand (T>C on the coding strand, the complement: XRCC1 is on the minus strand). VCF-style: chr19-43543606-A-G. GRCh37 (hg19) VCF-style: chr19-44047758-A-G.
Identifiers: ClinVar variation 3776271 (VCV003776271.1).
Genomic context (GRCh38, chr19:43,543,606, plus strand): 5'-AGGGGAGGACGGAGGAGATGCAAAGGTGTGCCCGGGTCTCCCATTCTCTGCCTCTTTGGT[A>G]CTCACCTCCTCAAAGCTGGGATCCCATTCCTGTGCTGTGATCACAAACTGAACCCGGTCA-3'

ClinVar aggregate classification (germline): Uncertain significance (1 of 4 stars; one submission).

Conditions:
Spinocerebellar ataxia, autosomal recessive 26. Identifiers: MedGen C4539948, MONDO:0033116, OMIM 617633.

gnomAD v4.1: 13 of 1,613,270 alleles (0.00081%); highest among the groups gnomAD compares: Admixed American, 0.0067%; no homozygotes.

Submission:

3billion
Classification: Uncertain significance for Spinocerebellar ataxia, autosomal recessive 26. Last evaluated: 2023-12-02. Review status: criteria provided, single submitter. Criteria: ACMG Guidelines, 2015. Collection method: clinical testing. Allele origin: germline. Affected: yes.
Comment: The variant is observed at an extremely low frequency in the gnomAD v2.1.1 dataset (total allele frequency: 0.002%). Predicted Consequence/Location: Intron variant In silico tools predict the variant to alter splicing and produce an abnormal transcript [SpliceAI: 0.43 (>=0.2, moderate evidence for spliceogenicity)]. Therefore, this variant is classified as VUS according to the recommendation of ACMG/AMP guideline.